The following is an entry in ClinVar:

ClinVar aggregate classification (germline): Conflicting classifications of pathogenicity. Review status: criteria provided, conflicting classifications (1 of 4 stars). 4 submissions from 4 submitters: Uncertain significance (1); Benign (1); Likely benign (1). 1 of the submissions does not count toward it. Last evaluated 2025-11-18.

Conditions:
HMCN1-related disorder. Also called: HMCN1-related condition.

Allele frequency attached by ClinVar (database versions not stated): ESP Exome Variant Server 0.00008; TOPMed 0.00014; gnomAD exomes 0.00043; gnomAD 0.00077; ExAC 0.00092; 1000 Genomes Project 30x 0.00094; 1000 Genomes Project 0.00100.
gnomAD v4.1: 748 of 1,613,974 alleles (0.046%); highest among the groups gnomAD compares: South Asian, 0.038%; 3 homozygotes.

Submissions (4):

Labcorp Genetics (formerly Invitae), Labcorp
Classification: Benign. Last evaluated: 2025-11-18. Review status: criteria provided, single submitter. Criteria: Invitae Variant Classification Sherloc (09022015). Collection method: clinical testing. Allele origin: germline.

Ambry Genetics
Classification: Uncertain significance. Last evaluated: 2025-09-09. Review status: criteria provided, single submitter. Criteria: Ambry Variant Classification Scheme 2023. Collection method: clinical testing. Allele origin: germline.

Blueprint Genetics
Classification: Likely benign. Last evaluated: 2024-10-04. Review status: criteria provided, single submitter. Criteria: ACMG Guidelines, 2015. Collection method: clinical testing. Allele origin: germline.

PreventionGenetics, part of Exact Sciences
Classification: Benign for HMCN1-related condition. Last evaluated: 2019-07-17. Review status: no assertion criteria provided. Collection method: clinical testing. Allele origin: germline. Not counted in ClinVar's aggregate classification.
Comment: This variant is classified as benign based on ACMG/AMP sequence variant interpretation guidelines (Richards et al. 2015 PMID: 25741868, with internal and published modifications).

NM_031935.3(HMCN1):c.1402G>A (p.Val468Ile)

Gene: HMCN1 (hemicentin 1; plus strand). Cytogenetic location: 1q31.1.
Variant type: single nucleotide variant.
Coding change: c.1402G>A on transcript NM_031935.3 (MANE Select); coding-DNA position 1402, G replaced by A.
Protein change: p.Val468Ile; replaces valine 468 with isoleucine.
Molecular consequence: missense variant.
Genome position (GRCh38, 1-based): chr1:185,925,163, G>A. VCF-style: chr1-185925163-G-A. GRCh37 (hg19) VCF-style: chr1-185894295-G-A.
Other names: c.1402G>A (NM_031935.2); short protein forms V468I.
Identifiers: ClinVar variation 2169825 (VCV002169825.8), dbSNP rs142754121, ClinGen allele CA1291093.